The following is an entry in ClinVar:

NM_005236.3(ERCC4):c.2654C>T (p.Thr885Met)

Gene: ERCC4 (ERCC excision repair 4, endonuclease catalytic subunit; plus strand). Cytogenetic location: 16p13.12.
Variant type: single nucleotide variant.
Coding change: c.2654C>T on transcript NM_005236.3 (MANE Select); coding-DNA position 2654, C replaced by T.
Protein change: p.Thr885Met; replaces threonine 885 with methionine.
Molecular consequence: missense variant.
Genome position (GRCh38, 1-based): chr16:13,948,250, C>T. VCF-style: chr16-13948250-C-T. GRCh37 (hg19) VCF-style: chr16-14042107-C-T.
Other names: short protein forms T885M.
Identifiers: ClinVar variation 2198314 (VCV002198314.2), dbSNP rs772294893, ClinGen allele CA7910789.

ClinVar aggregate classification (germline): Uncertain significance (1 of 4 stars; one submission).

Conditions:
Xeroderma pigmentosum, group F (XPF). Also called: XERODERMA PIGMENTOSUM VI; XP, GROUP F; XERODERMA PIGMENTOSUM, COMPLEMENTATION GROUP F; ERCC4-Related Xeroderma Pigmentosum; XERODERMA PIGMENTOSUM, TYPE F; Xeroderma pigmentosum, type 6. Identifiers: MedGen C0268140, MONDO:0010215, OMIM 278760.
Cockayne syndrome. Identifiers: Orphanet 191, MedGen C0009207, MONDO:0016006.
Fanconi anemia complementation group Q. Identifiers: Orphanet 84, MedGen C3808988, MONDO:0014108, OMIM 615272.

Allele frequency attached by ClinVar (database versions not stated): ExAC 0.00001; gnomAD 0.00001; gnomAD exomes 0.00001; TOPMed 0.00002.
gnomAD v4.1: 15 of 1,613,986 alleles (0.00093%); highest among the groups gnomAD compares: South Asian, 0.0011%; no homozygotes.

Submission:

Labcorp Genetics (formerly Invitae), Labcorp
Classification: Uncertain significance for Fanconi anemia complementation group Q; Xeroderma pigmentosum, group F; Cockayne syndrome. Last evaluated: 2022-10-25. Review status: criteria provided, single submitter. Criteria: Invitae Variant Classification Sherloc (09022015). Collection method: clinical testing. Allele origin: germline.
Comment: In summary, the available evidence is currently insufficient to determine the role of this variant in disease. Therefore, it has been classified as a Variant of Uncertain Significance. Advanced modeling of protein sequence and biophysical properties (such as structural, functional, and spatial information, amino acid conservation, physicochemical variation, residue mobility, and thermodynamic stability) performed at Invitae indicates that this missense variant is not expected to disrupt ERCC4 protein function. This variant has not been reported in the literature in individuals affected with ERCC4-related conditions. This variant is present in population databases (rs772294893, gnomAD 0.0009%). This sequence change replaces threonine, which is neutral and polar, with methionine, which is neutral and non-polar, at codon 885 of the ERCC4 protein (p.Thr885Met).